The following is an entry in ClinVar:

ClinVar aggregate classification (germline): Uncertain significance. Review status: criteria provided, multiple submitters, no conflicts (2 of 4 stars). 3 submissions from 3 submitters: Uncertain significance (3). Last evaluated 2024-05-03.

Conditions:
Hypokalemic periodic paralysis, type 1. Also called: Hypokalemic Periodic Paralysis Type 1 (AD); HypoPP. Identifiers: Orphanet 681, MedGen C3714580, MONDO:0042979, OMIM 170400.
Malignant hyperthermia, susceptibility to, 5 (MHS5). Also called: CACNA1S-Related Malignant Hyperthermia Susceptibility. Identifiers: Orphanet 423, MedGen C1866077, MONDO:0011163, OMIM 601887.
Congenital myopathy 18. Also called: Myopathy, congenital, due to dihydropyridine receptor defect; DIHYDROPYRIDINE RECEPTOR CONGENITAL MYOPATHY; DHPR CONGENITAL MYOPATHY. Identifiers: MedGen C5830283, MONDO:0859514, OMIM 620246.
Thyrotoxic periodic paralysis, susceptibility to, 1 (TTPP1). Identifiers: Orphanet 79102, MedGen C2749982, MONDO:0008570, OMIM 188580.

gnomAD v4.1: 1 of 1,613,974 alleles (0.000062%); highest among the groups gnomAD compares: African/African-American, 0.0013%; no homozygotes.

Submissions (3):

Fulgent Genetics
Classification: Uncertain significance for Hypokalemic periodic paralysis, type 1; Thyrotoxic periodic paralysis, susceptibility to, 1; Malignant hyperthermia, susceptibility to, 5; Congenital myopathy 18. Last evaluated: 2024-05-03. Review status: criteria provided, single submitter. Criteria: ACMG Guidelines, 2015. Collection method: clinical testing. Allele origin: germline.

All of Us Research Program, National Institutes of Health
Classification: Uncertain significance for Malignant hyperthermia, susceptibility to, 5. Last evaluated: 2024-03-05. Review status: criteria provided, single submitter. Criteria: ACMG Guidelines, 2015. Collection method: clinical testing. Allele origin: germline. Inheritance: Autosomal dominant inheritance. Observed: 1 variant allele, 1 heterozygote.
Comment: This study involves interpretation of variants in research participants for the purpose of population health screening. Participant phenotype was not available at the time of variant classification. Additional details can be found in publication PMID: 35346344, PMCID: PMC8962531

Labcorp Genetics (formerly Invitae), Labcorp
Classification: Uncertain significance for Hypokalemic periodic paralysis, type 1; Malignant hyperthermia, susceptibility to, 5. Last evaluated: 2024-01-29. Review status: criteria provided, single submitter. Criteria: Invitae Variant Classification Sherloc (09022015). Collection method: clinical testing. Allele origin: germline.
Comment: This sequence change replaces valine, which is neutral and non-polar, with leucine, which is neutral and non-polar, at codon 771 of the CACNA1S protein (p.Val771Leu). This variant is present in population databases (no rsID available, gnomAD 0.01%). This variant has not been reported in the literature in individuals affected with CACNA1S-related conditions. Advanced modeling of protein sequence and biophysical properties (such as structural, functional, and spatial information, amino acid conservation, physicochemical variation, residue mobility, and thermodynamic stability) performed at Invitae indicates that this missense variant is not expected to disrupt CACNA1S protein function with a negative predictive value of 80%. In summary, the available evidence is currently insufficient to determine the role of this variant in disease. Therefore, it has been classified as a Variant of Uncertain Significance.

NM_000069.3(CACNA1S):c.2311G>T (p.Val771Leu)

Gene: CACNA1S (calcium voltage-gated channel subunit alpha1 S; minus strand). Cytogenetic location: 1q32.1.
Variant type: single nucleotide variant.
Coding change: c.2311G>T on transcript NM_000069.3 (MANE Select); coding-DNA position 2311, G replaced by T.
Protein change: p.Val771Leu; replaces valine 771 with leucine.
Molecular consequence: missense variant.
Genome position (GRCh38, 1-based): chr1:201,070,321, C>A on the plus strand (G>T on the coding strand, the complement: CACNA1S is on the minus strand). VCF-style: chr1-201070321-C-A. GRCh37 (hg19) VCF-style: chr1-201039449-C-A.
Other names: short protein forms V771L.
Identifiers: ClinVar variation 3386352 (VCV003386352.4).